The following is an entry in ClinVar:

ClinVar aggregate classification (germline): Uncertain significance. Review status: criteria provided, multiple submitters, no conflicts (2 of 4 stars). 6 submissions from 6 submitters: Uncertain significance (6). Last evaluated 2025-07-21.

Conditions:
Hereditary cancer-predisposing syndrome. Also called: Neoplastic Syndromes, Hereditary; Hereditary neoplastic syndrome; Tumor predisposition; Hereditary Cancer Syndrome. Identifiers: Orphanet 140162, MedGen C0027672, MeSH D009386, MONDO:0015356.
Familial adenomatous polyposis 1 (FAP1). Also called: POLYPOSIS, ADENOMATOUS INTESTINAL; FAMILIAL ADENOMATOUS POLYPOSIS 1, ATTENUATED. Identifiers: MedGen C2713442, MONDO:0021056, OMIM 175100. Disease mechanism: loss of function.

Allele frequency attached by ClinVar (database versions not stated): gnomAD exomes below 0.00001; ExAC 0.00001; gnomAD 0.00003; TOPMed 0.00004.
gnomAD v4.1: 9 of 1,614,072 alleles (0.00056%); highest among the groups gnomAD compares: African/African-American, 0.011%; no homozygotes.

Submissions (6):

Women's Health and Genetics/Laboratory Corporation of America, LabCorp
Classification: Uncertain significance. Last evaluated: 2025-07-21. Review status: criteria provided, single submitter. Criteria: LabCorp Variant Classification Summary - May 2015. Collection method: clinical testing. Allele origin: germline.
Comment: Variant summary: APC c.2465T>C (p.Leu822Pro) results in a non-conservative amino acid change in the encoded protein sequence. Algorithms developed to predict the effect of missense changes on protein structure and function all suggest that this variant is likely to be disruptive. The variant was absent in 250932 control chromosomes. The available data on variant occurrences in the general population are insufficient to allow any conclusion about variant significance. To our knowledge, no occurrence of c.2465T>C in individuals affected with Colorectal Cancer Risk and no experimental evidence demonstrating its impact on protein function have been reported. ClinVar contains an entry for this variant (Variation ID: 185733). Based on the evidence outlined above, the variant was classified as uncertain significance.

Labcorp Genetics (formerly Invitae), Labcorp
Classification: Uncertain significance for Familial adenomatous polyposis 1. Last evaluated: 2025-02-09. Review status: criteria provided, single submitter. Criteria: Invitae Variant Classification Sherloc (09022015). Collection method: clinical testing. Allele origin: germline.
Comment: This sequence change replaces leucine, which is neutral and non-polar, with proline, which is neutral and non-polar, at codon 822 of the APC protein (p.Leu822Pro). This variant is present in population databases (rs777748272, gnomAD 0.01%). This variant has not been reported in the literature in individuals affected with APC-related conditions. ClinVar contains an entry for this variant (Variation ID: 185733). Invitae Evidence Modeling of protein sequence and biophysical properties (such as structural, functional, and spatial information, amino acid conservation, physicochemical variation, residue mobility, and thermodynamic stability) indicates that this missense variant is not expected to disrupt APC protein function with a negative predictive value of 95%. In summary, the available evidence is currently insufficient to determine the role of this variant in disease. Therefore, it has been classified as a Variant of Uncertain Significance.

GeneDx
Classification: Uncertain significance. Last evaluated: 2024-09-10. Review status: criteria provided, single submitter. Criteria: GeneDx Variant Classification Process June 2021. Collection method: clinical testing. Allele origin: germline.
Comment: Not observed at significant frequency in large population cohorts (gnomAD); In silico analysis supports that this missense variant does not alter protein structure/function; Has not been previously published as pathogenic or benign to our knowledge

Ambry Genetics
Classification: Uncertain significance for Hereditary cancer-predisposing syndrome. Last evaluated: 2024-05-13. Review status: criteria provided, single submitter. Criteria: Ambry Variant Classification Scheme 2023. Collection method: clinical testing. Allele origin: germline.
Comment: The p.L822P variant (also known as c.2465T>C), located in coding exon 15 of the APC gene, results from a T to C substitution at nucleotide position 2465. The leucine at codon 822 is replaced by proline, an amino acid with similar properties. This amino acid position is highly conserved in available vertebrate species. In addition, in silico predictors for this gene do not accurately predict pathogenicity. Since supporting evidence is limited at this time, the clinical significance of this alteration remains unclear.

Color Diagnostics, LLC DBA Color Health
Classification: Uncertain significance for Hereditary cancer-predisposing syndrome. Last evaluated: 2024-03-04. Review status: criteria provided, single submitter. Criteria: ACMG Guidelines, 2015. Collection method: clinical testing. Allele origin: germline.
Comment: This missense variant replaces leucine with proline at codon 822 of the APC protein. Computational prediction is inconclusive regarding the impact of this variant on protein structure and function (internally defined REVEL score threshold 0.5 < inconclusive < 0.7, PMID: 27666373). To our knowledge, functional studies have not been reported for this variant. This variant has not been reported in individuals affected with APC-related disorders in the literature. This variant has been identified in 1/31396 chromosomes in the general population by the Genome Aggregation Database (gnomAD). The available evidence is insufficient to determine the role of this variant in disease conclusively. Therefore, this variant is classified as a Variant of Uncertain Significance.

Sema4
Classification: Uncertain significance for Hereditary cancer-predisposing syndrome. Last evaluated: 2022-01-26. Review status: criteria provided, single submitter. Criteria: Sema4 Curation Guidelines. Collection method: curation. Allele origin: germline.
Comment: The APC c.2465T>C (p.L822P) variant has not been reported in the literature to our knowledge. It was observed in 1/8710 chromosomes of the African/African American subpopulation in the large and broad cohorts of the Genome Aggregation Database (PMID: 32461654). This variant has been reported in ClinVar (Variation ID 185733). Functional studies have not been performed, and in silico predictions of the variant's effect on protein function are inconclusive. The evidence is insufficient to meet ACMG/AMP criteria for classifying the variant as benign or pathogenic. Thus, the clinical significance of this variant is currently uncertain.

NM_000038.6(APC):c.2465T>C (p.Leu822Pro)

Gene: APC (APC regulator of Wnt signaling pathway; plus strand). Cytogenetic location: 5q22.2.
Variant type: single nucleotide variant.
Coding change: c.2465T>C on transcript NM_000038.6 (MANE Select); coding-DNA position 2465, T replaced by C.
Protein change: p.Leu822Pro; replaces leucine 822 with proline.
Molecular consequence: missense variant.
Genome position (GRCh38, 1-based): chr5:112,838,059, T>C. VCF-style: chr5-112838059-T-C. GRCh37 (hg19) VCF-style: chr5-112173756-T-C.
Other names: c.2465T>C, p.Leu822Pro (NM_001127510.3, NM_001354895.2); c.2411T>C, p.Leu804Pro (NM_001127511.3); c.2519T>C, p.Leu840Pro (NM_001354896.2); c.2495T>C, p.Leu832Pro (NM_001354897.2); c.2390T>C, p.Leu797Pro (NM_001354898.2); c.2381T>C, p.Leu794Pro (NM_001354899.2); c.2342T>C, p.Leu781Pro (NM_001354900.2); c.2288T>C, p.Leu763Pro (NM_001354901.2); and 5 more; short protein forms L804P, L822P, L662P, L539P, L696P, L763P, L794P, L781P.
Identifiers: ClinVar variation 185733 (VCV000185733.19), dbSNP rs777748272, ClinGen allele CA007500.